The following is an entry in ClinVar:

ClinVar aggregate classification (germline): Uncertain significance (1 of 4 stars; one submission).

Conditions:
Neurofibromatosis, type 2 (SWNV). Also called: NF2-Related Schwannomatosis; BILATERAL ACOUSTIC NEUROFIBROMATOSIS; SCHWANNOMATOSIS, VESTIBULAR. Identifiers: Orphanet 637, MedGen C0027832, MONDO:0007039, OMIM 101000. Disease mechanism: loss of function.

Submission:

Labcorp Genetics (formerly Invitae), Labcorp
Classification: Uncertain significance for Neurofibromatosis, type 2. Last evaluated: 2024-03-06. Review status: criteria provided, single submitter. Criteria: Invitae Variant Classification Sherloc (09022015). Collection method: clinical testing. Allele origin: germline.
Comment: This sequence change affects a splice site in intron 15 of the NF2 gene. While this variant is not anticipated to result in nonsense mediated decay, it likely alters RNA splicing and results in a disrupted protein product. This variant is not present in population databases (gnomAD no frequency). This variant has not been reported in the literature in individuals affected with NF2-related conditions. ClinVar contains an entry for this variant (Variation ID: 2013874). Variants that disrupt the consensus splice site are a relatively common cause of aberrant splicing (PMID: 17576681, 9536098). Algorithms developed to predict the effect of sequence changes on RNA splicing suggest that this variant may disrupt the consensus splice site. In summary, the available evidence is currently insufficient to determine the role of this variant in disease. Therefore, it has been classified as a Variant of Uncertain Significance.

Literature cited by the submitters: PubMed 17576681; PubMed 9536098.

NM_000268.4(NF2):c.1738-5_1738-2dup

Gene: NF2 (NF2, moesin-ezrin-radixin like (MERLIN) tumor suppressor; plus strand). Cytogenetic location: 22q12.2.
Variant type: Duplication.
Coding change: c.1738-5_1738-2dup on transcript NM_000268.4 (MANE Select); 5 bases into the intron before coding-DNA position 1738 through the canonical splice acceptor site of the intron before coding-DNA position 1738, 4 bases duplicated (TACA; older notation c.1738-5_1738-2dupTACA).
Molecular consequence: splice acceptor variant.
Genome position (GRCh38, 1-based): chr22:29,694,747-29,694,750, TACA duplicated. VCF-style (leftmost placement, unchanged base first): chr22-29694746-T-TTACA. GRCh37 (hg19) VCF-style: chr22-30090735-T-TTACA.
Other names: c.*10-5_*10-2dup (NM_016418.5, NM_181829.3, NM_181828.3 and 1 more transcripts); c.*25-5_*25-2dup (NM_181832.3); c.448-5_448-2dup (NM_181833.3).
Identifiers: ClinVar variation 2013874 (VCV002013874.4), dbSNP rs2518807554, ClinGen allele CA2580099438.